The following is an entry in ClinVar:

NM_006302.3(MOGS):c.1415G>T (p.Gly472Val)

Gene: MOGS (mannosyl-oligosaccharide glucosidase; minus strand). Cytogenetic location: 2p13.1.
Variant type: single nucleotide variant.
Coding change: c.1415G>T on transcript NM_006302.3 (MANE Select); coding-DNA position 1415, G replaced by T.
Protein change: p.Gly472Val; replaces glycine 472 with valine.
Molecular consequence: missense variant.
Genome position (GRCh38, 1-based): chr2:74,462,374, C>A on the plus strand (G>T on the coding strand, the complement: MOGS is on the minus strand). VCF-style: chr2-74462374-C-A. GRCh37 (hg19) VCF-style: chr2-74689501-C-A.
Other names: c.1097G>T, p.Gly366Val (NM_001146158.2); short protein forms G366V, G472V.
Identifiers: ClinVar variation 3774997 (VCV003774997.1).

ClinVar aggregate classification (germline): Uncertain significance (1 of 4 stars; one submission).

gnomAD v4.1: 1 of 1,614,142 alleles (0.000062%); highest among the groups gnomAD compares: Non-Finnish European, 0.000085%; no homozygotes.

Submission:

GeneDx
Classification: Uncertain significance. Last evaluated: 2024-09-26. Review status: criteria provided, single submitter. Criteria: GeneDx Variant Classification Process June 2021. Collection method: clinical testing. Allele origin: germline. Affected: yes.
Comment: Not observed at significant frequency in large population cohorts (gnomAD); In silico analysis supports that this missense variant has a deleterious effect on protein structure/function; Has not been previously published as pathogenic or benign to our knowledge